The following is an entry in ClinVar:

ClinVar aggregate classification (germline): Benign/Likely benign. Review status: criteria provided, multiple submitters, no conflicts (2 of 4 stars). 6 submissions from 6 submitters: Benign (4); Likely benign (2). Last evaluated 2026-01-28.

Allele frequency attached by ClinVar (database versions not stated): 1000 Genomes Project 0.00240; 1000 Genomes Project 30x 0.00281; gnomAD 0.00501 and 0.00529; TOPMed 0.00511; ESP Exome Variant Server 0.00677.
gnomAD v4.1: 9,800 of 1,612,346 alleles (0.61%); highest among the groups gnomAD compares: Non-Finnish European, 0.74%; 35 homozygotes.

Submissions (6):

Labcorp Genetics (formerly Invitae), Labcorp
Classification: Benign. Last evaluated: 2026-01-28. Review status: criteria provided, single submitter. Criteria: Invitae Variant Classification Sherloc (09022015). Collection method: clinical testing. Allele origin: germline.

Blueprint Genetics
Classification: Likely benign. Last evaluated: 2024-11-28. Review status: criteria provided, single submitter. Criteria: ACMG Guidelines, 2015. Collection method: clinical testing. Allele origin: germline.

Mayo Clinic Laboratories, Mayo Clinic
Classification: Likely benign. Last evaluated: 2024-11-08. Review status: criteria provided, single submitter. Criteria: ACMG Guidelines, 2015. Collection method: clinical testing. Allele origin: germline. Observed: 3 variant alleles.
Comment: BP4, BP7

ARUP Laboratories, Molecular Genetics and Genomics, ARUP Laboratories
Classification: Benign. Last evaluated: 2023-09-21. Review status: criteria provided, single submitter. Criteria: ARUP Molecular Germline Variant Investigation Process 2024. Collection method: clinical testing. Allele origin: germline.

GeneDx
Classification: Benign. Last evaluated: 2013-04-05. Review status: criteria provided, single submitter. Criteria: GeneDx Variant Classification (06012015). Collection method: clinical testing. Allele origin: germline. Affected: yes.
Comment: This variant is considered likely benign or benign based on one or more of the following criteria: it is a conservative change, it occurs at a poorly conserved position in the protein, it is predicted to be benign by multiple in silico algorithms, and/or has population frequency not consistent with disease.

Breakthrough Genomics
Classification: Benign. Review status: criteria provided, single submitter. Criteria: ACMG Guidelines, 2015. Collection method: not provided. Allele origin: germline. Inheritance: Unknown mechanism. Affected: yes.

NM_018006.5(TRMU):c.652-16C>T

Gene: TRMU (tRNA mitochondrial 2-thiouridylase; plus strand). Cytogenetic location: 22q13.31.
Variant type: single nucleotide variant.
Coding change: c.652-16C>T on transcript NM_018006.5 (MANE Select); 16 bases into the intron before coding-DNA position 652, C replaced by T.
Molecular consequence: intron variant.
Genome position (GRCh38, 1-based): chr22:46,352,105, C>T. VCF-style: chr22-46352105-C-T. GRCh37 (hg19) VCF-style: chr22-46748002-C-T.
Other names: p.?; c.652-16C>T (NM_001282785.2); c.310-16C>T (NM_001282782.2); c.232-16C>T (NM_001282783.2, NM_001282784.2).
Identifiers: ClinVar variation 137712 (VCV000137712.21), dbSNP rs73177076, ClinGen allele CA291376.